The following is an entry in ClinVar:

ClinVar aggregate classification (germline): Uncertain significance (1 of 4 stars; one submission).

Conditions:
Muscular dystrophy-dystroglycanopathy (congenital with brain and eye anomalies), type A2. Also called: MUSCULAR DYSTROPHY-DYSTROGLYCANOPATHY (CONGENITAL WITH BRAIN AND EYE ANOMALIES), TYPE A, 2; WALKER-WARBURG SYNDROME OR MUSCLE-EYE-BRAIN DISEASE, POMT2-RELATED. Identifiers: Orphanet 588, Orphanet 899, MedGen C3150411, MONDO:0013154, OMIM 613150.
Muscular dystrophy-dystroglycanopathy (congenital with impaired intellectual development), type B, 2. Also called: Muscular dystrophy-dystroglycanopathy (congenital with intellectual disability), type B2; MUSCULAR DYSTROPHY, CONGENITAL, POMT2-RELATED. Identifiers: MedGen C3150416, MONDO:0013160, OMIM 613156.
Autosomal recessive limb-girdle muscular dystrophy type 2N. Also called: Muscular dystrophy-dystroglycanopathy (limb-girdle), type C, 2; MUSCULAR DYSTROPHY-DYSTROGLYCANOPATHY, LIMB-GIRDLE, POMT2-RELATED. Identifiers: Orphanet 206559, MedGen C3150418, MONDO:0013162, OMIM 613158.

Submission:

Labcorp Genetics (formerly Invitae), Labcorp
Classification: Uncertain significance for Muscular dystrophy-dystroglycanopathy (congenital with impaired intellectual development), type B, 2; Muscular dystrophy-dystroglycanopathy (congenital with brain and eye anomalies), type A2; Autosomal recessive limb-girdle muscular dystrophy type 2N. Last evaluated: 2019-11-06. Review status: criteria provided, single submitter. Criteria: Invitae Variant Classification Sherloc (09022015). Collection method: clinical testing. Allele origin: germline.
Comment: This sequence change replaces threonine with serine at codon 5 of the POMT2 protein (p.Thr5Ser). The threonine residue is weakly conserved and there is a small physicochemical difference between threonine and serine. This variant is not present in population databases (ExAC no frequency). This variant has not been reported in the literature in individuals with POMT2-related conditions. Algorithms developed to predict the effect of missense changes on protein structure and function (SIFT, PolyPhen-2, Align-GVGD) all suggest that this variant is likely to be tolerated, but these predictions have not been confirmed by published functional studies and their clinical significance is uncertain. In summary, the available evidence is currently insufficient to determine the role of this variant in disease. Therefore, it has been classified as a Variant of Uncertain Significance.

NM_013382.7(POMT2):c.13A>T (p.Thr5Ser)

Genes: POMT2 (protein O-mannosyltransferase 2; minus strand), LOC130056177 (ATAC-STARR-seq lymphoblastoid silent region 5970; plus strand). Cytogenetic location: 14q24.3.
Variant type: single nucleotide variant.
Coding change: c.13A>T on transcript NM_013382.7 (MANE Select); coding-DNA position 13, A replaced by T.
Protein change: p.Thr5Ser; replaces threonine 5 with serine.
Molecular consequence: missense variant.
Genome position (GRCh38, 1-based): chr14:77,320,669, T>A on the plus strand (A>T on the coding strand, the complement: POMT2 is on the minus strand). VCF-style: chr14-77320669-T-A. GRCh37 (hg19) VCF-style: chr14-77787012-T-A.
Other names: short protein forms T5S.
Identifiers: ClinVar variation 964259 (VCV000964259.10), dbSNP rs1891858162, ClinGen allele CA390505029.
Genomic context (GRCh38, chr14:77,320,669, plus strand): 5'-CCTGGGGGCCACAGCGGCCCCTCCGGGGACGCAGCTCGGACTCTGCCAGGCCTCCGCCCG[T>A]GGCCGGCGGCATCTTCCCCCTCCTCTGGGTCGCCCTCCGGCCCGGAGGCACACTTTGTCT-3'
Protein context (NP_037514.2, residues 1-15): MPPA[Thr5Ser]GGGLAESELR